The following is an entry in ClinVar:

NM_004281.4(BAG3):c.434_437del (p.Thr145fs)

Gene: BAG3 (BAG cochaperone 3; plus strand). Cytogenetic location: 10q26.11.
Variant type: Deletion.
Coding change: c.434_437del on transcript NM_004281.4 (MANE Select); coding-DNA positions 434 to 437, 4 bases deleted (CTCA; older notation c.434_437delCTCA).
Protein change: p.Thr145fs; shifts the reading frame from threonine 145.
Molecular consequence: frameshift variant.
Genome position (GRCh38, 1-based): chr10:119,670,104-119,670,107, CTCA deleted; deleting any 4 consecutive bases within chr10:119,670,102-119,670,107 gives the same sequence; the c. name uses the placement nearest the transcript's 3' end. VCF-style (leftmost placement, unchanged base first): chr10-119670101-CCACT-C. GRCh37 (hg19) VCF-style: chr10-121429613-CCACT-C.
Other names: short protein forms T145fs.
Identifiers: ClinVar variation 2069268 (VCV002069268.4), dbSNP rs2494009703, ClinGen allele CA2580082416.

ClinVar aggregate classification (germline): Pathogenic (1 of 4 stars; one submission).

Conditions:
Myofibrillar myopathy 6. Identifiers: Orphanet 199340, MedGen C2751831, MONDO:0013061, OMIM 612954.
Dilated cardiomyopathy 1HH (CMD1HH). Identifiers: Orphanet 154, MedGen C3151293, MONDO:0013479, OMIM 613881.

Submission:

Labcorp Genetics (formerly Invitae), Labcorp
Classification: Pathogenic for Dilated cardiomyopathy 1HH; Myofibrillar myopathy 6. Last evaluated: 2022-10-25. Review status: criteria provided, single submitter. Criteria: Invitae Variant Classification Sherloc (09022015). Collection method: clinical testing. Allele origin: germline.
Comment: For these reasons, this variant has been classified as Pathogenic. This variant has not been reported in the literature in individuals affected with BAG3-related conditions. This variant is not present in population databases (gnomAD no frequency). This sequence change creates a premature translational stop signal (p.Thr145Serfs*65) in the BAG3 gene. It is expected to result in an absent or disrupted protein product. Loss-of-function variants in BAG3 are known to be pathogenic (PMID: 21353195, 25008357).

Literature cited by the submitters: PubMed 21353195; PubMed 25008357.